The following is an entry in ClinVar:

ClinVar aggregate classification (germline): Likely benign. Review status: criteria provided, multiple submitters, no conflicts (2 of 4 stars). 2 submissions from 2 submitters: Likely benign (2). Last evaluated 2022-06-01.

Conditions:
Idiopathic generalized epilepsy. Also called: Generalised epilepsy; EIG. Identifiers: MedGen C0270850, MONDO:0005579, OMIM 600669.

Allele frequency attached by ClinVar (database versions not stated): TOPMed below 0.00001; gnomAD 0.00001; gnomAD exomes 0.00001.
gnomAD v4.1: 17 of 1,544,232 alleles (0.0011%); highest among the groups gnomAD compares: Middle Eastern, 0.034%; no homozygotes.

Submissions (2):

CeGaT Center for Human Genetics Tuebingen
Classification: Likely benign. Last evaluated: 2022-06-01. Review status: criteria provided, single submitter. Criteria: CeGaT Center For Human Genetics Tuebingen Variant Classification Criteria Version 2. Collection method: clinical testing. Allele origin: germline. Affected: yes. Observed: 1 variant allele.
Comment: RBFOX3: BP4, BP7

Labcorp Genetics (formerly Invitae), Labcorp
Classification: Likely benign for Idiopathic generalized epilepsy. Last evaluated: 2019-02-07. Review status: criteria provided, single submitter. Criteria: Invitae Variant Classification Sherloc (09022015). Collection method: clinical testing. Allele origin: germline.

NM_001350451.2(RBFOX3):c.741C>T (p.Ile247=)

Gene: RBFOX3 (RNA binding fox-1 homolog 3; minus strand). Cytogenetic location: 17q25.3.
Variant type: single nucleotide variant.
Coding change: c.741C>T on transcript NM_001350451.2 (MANE Select); coding-DNA position 741, C replaced by T.
Protein change: p.Ile247=; no amino-acid change (isoleucine 247 retained).
Molecular consequence: synonymous variant.
Genome position (GRCh38, 1-based): chr17:79,097,306, G>A on the plus strand (C>T on the coding strand, the complement: RBFOX3 is on the minus strand). VCF-style: chr17-79097306-G-A. GRCh37 (hg19) VCF-style: chr17-77093388-G-A.
Other names: c.741C>T, p.Ile247= (NM_001082575.3, NM_001350453.2, NM_001385804.1 and 33 more transcripts); c.738C>T, p.Ile246= (NM_001385806.1, NM_001385822.1, NM_001385823.1 and 4 more transcripts); c.648C>T, p.Ile216= (NM_001385824.1); c.762C>T, p.Ile254= (NM_001385827.1); c.594C>T, p.Ile198= (NM_001385847.1).
Identifiers: ClinVar variation 733573 (VCV000733573.34), dbSNP rs866943064, ClinGen allele CA294779740.